The following is an entry in ClinVar:

ClinVar aggregate classification (germline): Uncertain significance. Review status: criteria provided, multiple submitters, no conflicts (2 of 4 stars). 2 submissions from 2 submitters: Uncertain significance (2). Last evaluated 2023-11-28.

Conditions:
Inborn genetic diseases. Identifiers: MedGen C0950123, MeSH D030342.
Marinesco-Sjögren syndrome (MSS). Also called: Marinesco-Sjogren Syndrome; Marinesco-SjÃ¶gren syndrome. Identifiers: Orphanet 559, MedGen C0024814, MONDO:0009567, OMIM 248800.

Allele frequency attached by ClinVar (database versions not stated): ExAC 0.00002.
gnomAD v4.1: 9 of 1,611,530 alleles (0.00056%); highest among the groups gnomAD compares: Admixed American, 0.0017%; no homozygotes.

Submissions (2):

Ambry Genetics
Classification: Uncertain significance for Inborn genetic diseases. Last evaluated: 2023-11-28. Review status: criteria provided, single submitter. Criteria: Ambry Variant Classification Scheme 2023. Collection method: clinical testing. Allele origin: germline.

Baylor Genetics
Classification: Uncertain significance for Marinesco-Sjögren syndrome. Last evaluated: 2019-06-17. Review status: criteria provided, single submitter. Criteria: ACMG Guidelines, 2015. Collection method: clinical testing. Allele origin: unknown. Affected: yes.
Comment: This variant was determined to be of uncertain significance according to ACMG Guidelines, 2015 [PMID:25741868].

NM_022464.5(SIL1):c.1012G>A (p.Asp338Asn)

Gene: SIL1 (SIL1 nucleotide exchange factor; minus strand). Cytogenetic location: 5q31.2.
Variant type: single nucleotide variant.
Coding change: c.1012G>A on transcript NM_022464.5 (MANE Select); coding-DNA position 1012, G replaced by A.
Protein change: p.Asp338Asn; replaces aspartic acid 338 with asparagine.
Molecular consequence: missense variant.
Genome position (GRCh38, 1-based): chr5:138,951,188, C>T on the plus strand (G>A on the coding strand, the complement: SIL1 is on the minus strand). VCF-style: chr5-138951188-C-T. GRCh37 (hg19) VCF-style: chr5-138286877-C-T.
Other names: c.1012G>A, p.Asp338Asn (NM_001037633.2); short protein forms D338N.
Identifiers: ClinVar variation 1028265 (VCV001028265.2), dbSNP rs111292964, ClinGen allele CA3432415.